The following is an entry in ClinVar:

NM_025074.7(FRAS1):c.*708C>A

Gene: FRAS1 (Fraser extracellular matrix complex subunit 1; plus strand). Cytogenetic location: 4q21.21.
Variant type: single nucleotide variant.
Coding change: c.*708C>A on transcript NM_025074.7 (MANE Select); 708 bases downstream of the stop codon, C replaced by A.
Molecular consequence: 3 prime UTR variant.
Genome position (GRCh38, 1-based): chr4:78,541,832, C>A. VCF-style: chr4-78541832-C-A. GRCh37 (hg19) VCF-style: chr4-79462986-C-A.
Identifiers: ClinVar variation 349836 (VCV000349836.5), dbSNP rs111636328, ClinGen allele CA10621763.

ClinVar aggregate classification (germline): Benign (1 of 4 stars; one submission).

Conditions:
Fraser syndrome 1 (FRASRS1). Also called: CRYPTOPHTHALMOS WITH OTHER MALFORMATIONS. Identifiers: Orphanet 2052, MedGen C4551480, MONDO:0054737, OMIM 219000.

Allele frequency attached by ClinVar (database versions not stated): gnomAD 0.00860; TOPMed 0.00901; 1000 Genomes Project 0.01078; 1000 Genomes Project 30x 0.01124.

Submission:

Illumina Laboratory Services, Illumina
Classification: Benign for Fraser syndrome 1. Last evaluated: 2018-01-12. Review status: criteria provided, single submitter. Criteria: ICSL Variant Classification Criteria 13 December 2019. Collection method: clinical testing. Allele origin: germline.
Comment: This variant was observed in the ICSL laboratory as part of a predisposition screen in an ostensibly healthy population. It had not been previously curated by ICSL or reported in the Human Gene Mutation Database (HGMD: prior to June 1st, 2018), and was therefore a candidate for classification through an automated scoring system. Utilizing variant allele frequency, disease prevalence and penetrance estimates, and inheritance mode, an automated score was calculated to assess if this variant is too frequent to cause the disease. Based on the score and internal cut-off values, a variant classified as benign is not then subjected to further curation. The score for this variant resulted in a classification of benign for this disease.